The following is an entry in ClinVar:

ClinVar aggregate classification (germline): Uncertain significance. Review status: criteria provided, multiple submitters, no conflicts (2 of 4 stars). 2 submissions from 2 submitters: Uncertain significance (2). Last evaluated 2024-08-06.

Conditions:
Long QT syndrome 1 (LQT1). Identifiers: Orphanet 101016, Orphanet 768, MedGen C4551647, MONDO:0100316, OMIM 192500, MONDO:0008646.
Long QT syndrome (LQTS). Identifiers: MedGen C0023976, MeSH D008133, MONDO:0002442. Disease mechanism: loss of function. Inheritance: Various modes of inheritance.

Submissions (2):

All of Us Research Program, National Institutes of Health
Classification: Uncertain significance for Long QT syndrome. Last evaluated: 2024-08-06. Review status: criteria provided, single submitter. Criteria: ACMG Guidelines, 2015. Collection method: clinical testing. Allele origin: germline. Inheritance: Autosomal dominant inheritance. Observed: 1 variant allele, 1 heterozygote.
Comment: This study involves interpretation of variants in research participants for the purpose of population health screening. Participant phenotype was not available at the time of variant classification. Additional details can be found in publication PMID: 35346344, PMCID: PMC8962531

MVZ Martinsried, Medicover Genetics
Classification: Uncertain significance for Long QT syndrome 1. Last evaluated: 2018-03-09. Review status: criteria provided, single submitter. Criteria: ACMG Guidelines, 2015. Collection method: clinical testing. Allele origin: unknown. Affected: yes.

NM_000218.3(KCNQ1):c.1996A>C (p.Thr666Pro)

Genes: KCNQ1-AS1 (KCNQ1 antisense RNA 1; minus strand), KCNQ1 (potassium voltage-gated channel subfamily Q member 1; plus strand). Cytogenetic location: 11p15.4.
Variant type: single nucleotide variant.
Coding change: c.1996A>C on transcript NM_000218.3 (MANE Select); coding-DNA position 1996, A replaced by C.
Protein change: p.Thr666Pro; replaces threonine 666 with proline.
Molecular consequence: missense variant.
Genome position (GRCh38, 1-based): chr11:2,847,968, A>C. VCF-style: chr11-2847968-A-C. GRCh37 (hg19) VCF-style: chr11-2869198-A-C.
Other names: c.1900A>C, p.Thr634Pro (NM_001406836.1); c.1726A>C, p.Thr576Pro (NM_001406837.1); c.1456A>C, p.Thr486Pro (NM_001406838.1); c.508A>C, p.Thr170Pro (NM_001406839.1); c.1615A>C, p.Thr539Pro (NM_181798.2); short protein forms T539P, T666P, T576P, T634P, T170P, T486P.
Identifiers: ClinVar variation 560698 (VCV000560698.4), dbSNP rs1564916586, ClinGen allele CA379140587.